The following is an entry in ClinVar:

NM_016239.4(MYO15A):c.10128G>A (p.Thr3376=)

Gene: MYO15A (myosin XVA; plus strand). Cytogenetic location: 17p11.2.
Variant type: single nucleotide variant.
Coding change: c.10128G>A on transcript NM_016239.4 (MANE Select); coding-DNA position 10128, G replaced by A.
Protein change: p.Thr3376=; no amino-acid change (threonine 3376 retained).
Molecular consequence: synonymous variant.
Genome position (GRCh38, 1-based): chr17:18,171,683, G>A. VCF-style: chr17-18171683-G-A. GRCh37 (hg19) VCF-style: chr17-18074997-G-A.
Identifiers: ClinVar variation 322182 (VCV000322182.10), dbSNP rs779726809, ClinGen allele CA8425814.

ClinVar aggregate classification (germline): Conflicting classifications of pathogenicity. Review status: criteria provided, conflicting classifications (1 of 4 stars). 4 submissions from 4 submitters: Uncertain significance (2); Benign (1); Likely benign (1). Last evaluated 2026-03-24.

Conditions:
Autosomal recessive nonsyndromic hearing loss 3. Also called: NEUROSENSORY NONSYNDROMIC RECESSIVE DEAFNESS 3. Identifiers: Orphanet 90636, MedGen C1838263, MONDO:0010860, OMIM 600316.
MYO15A-related disorder. Also called: MYO15A-related condition.

Allele frequency attached by ClinVar (database versions not stated): gnomAD 0.00005; gnomAD exomes 0.00008 and 0.00017; TOPMed 0.00008; ExAC 0.00011.
gnomAD v4.1: 121 of 1,613,268 alleles (0.0075%); highest among the groups gnomAD compares: East Asian, 0.0045%; no homozygotes.

Submissions (4):

PreventionGenetics, part of Exact Sciences
Classification: Likely benign for MYO15A-related condition. Last evaluated: 2026-03-24. Review status: criteria provided, single submitter. Criteria: ACMG Guidelines, 2015. Collection method: clinical testing. Allele origin: germline.
Comment: This variant is classified as likely benign based on ACMG/AMP sequence variant interpretation guidelines (Richards et al. 2015 PMID: 25741868, with internal and published modifications).

Labcorp Genetics (formerly Invitae), Labcorp
Classification: Benign. Last evaluated: 2024-03-20. Review status: criteria provided, single submitter. Criteria: Invitae Variant Classification Sherloc (09022015). Collection method: clinical testing. Allele origin: germline.

Fulgent Genetics
Classification: Uncertain significance for Autosomal recessive nonsyndromic hearing loss 3. Last evaluated: 2021-07-15. Review status: criteria provided, single submitter. Criteria: ACMG Guidelines, 2015. Collection method: clinical testing. Allele origin: unknown.

Illumina Laboratory Services, Illumina
Classification: Uncertain significance for Autosomal recessive nonsyndromic hearing loss 3. Last evaluated: 2018-01-13. Review status: criteria provided, single submitter. Criteria: ICSL Variant Classification Criteria 13 December 2019. Collection method: clinical testing. Allele origin: germline.